The following is an entry in ClinVar:

ClinVar aggregate classification (germline): Uncertain significance (1 of 4 stars; one submission).

Conditions:
Hereditary cancer-predisposing syndrome. Also called: Neoplastic Syndromes, Hereditary; Tumor predisposition; Hereditary neoplastic syndrome; Hereditary Cancer Syndrome. Identifiers: Orphanet 140162, MedGen C0027672, MeSH D009386, MONDO:0015356.

Submission:

Ambry Genetics
Classification: Uncertain significance for Hereditary cancer-predisposing syndrome. Last evaluated: 2023-09-27. Review status: criteria provided, single submitter. Criteria: Ambry Variant Classification Scheme 2023. Collection method: clinical testing. Allele origin: germline.
Comment: The p.T1597A variant (also known as c.4789A>G), located in coding exon 22 of the DICER1 gene, results from an A to G substitution at nucleotide position 4789. The threonine at codon 1597 is replaced by alanine, an amino acid with similar properties. This amino acid position is conserved. In addition, this alteration is predicted to be tolerated by in silico analysis. Since supporting evidence is limited at this time, the clinical significance of this alteration remains unclear.

NM_177438.3(DICER1):c.4789A>G (p.Thr1597Ala)

Gene: DICER1 (dicer 1, ribonuclease III; minus strand). Cytogenetic location: 14q32.13.
Variant type: single nucleotide variant.
Coding change: c.4789A>G on transcript NM_177438.3 (MANE Select); coding-DNA position 4789, A replaced by G.
Protein change: p.Thr1597Ala; replaces threonine 1597 with alanine.
Molecular consequence: missense variant. On other transcripts: non-coding transcript variant (6).
Genome position (GRCh38, 1-based): chr14:95,096,131, T>C on the plus strand (A>G on the coding strand, the complement: DICER1 is on the minus strand). VCF-style: chr14-95096131-T-C. GRCh37 (hg19) VCF-style: chr14-95562468-T-C.
Other names: c.4789A>G, p.Thr1597Ala (NM_001195573.1, NM_001271282.3, NM_001291628.2 and 13 more transcripts); c.4507A>G, p.Thr1503Ala (NM_001395686.1); c.4384A>G, p.Thr1462Ala (NM_001395687.1, NM_001395688.1, NM_001395689.1 and 2 more transcripts); c.4222A>G, p.Thr1408Ala (NM_001395691.1); c.3106A>G, p.Thr1036Ala (NM_001395697.1); short protein forms T1036A, T1408A, T1462A, T1503A, T1597A.
Identifiers: ClinVar variation 3229418 (VCV003229418.1), dbSNP rs1890305348, ClinGen allele CA390867167.
Genomic context (GRCh38, chr14:95,096,131, plus strand): 5'-GGTTCTTTTGTTGGCTGTTGAAATTCTCCCGAGTAGGGCACAGGGCCTTTTCCCGATCAG[T>C]CCTTTTAATTACCGGGAGCACCTTCAGCCCCAGTGAACAGAGGAAAAGCTGAGCAGCCCT-3'
Protein context (NP_803187.1, residues 1587-1607): GLKVLPVIKR[Thr1597Ala]DREKALCPTR